The following is an entry in ClinVar:

ClinVar aggregate classification (germline): Uncertain significance. Review status: criteria provided, multiple submitters, no conflicts (2 of 4 stars). 4 submissions from 4 submitters: Uncertain significance (4). Last evaluated 2025-12-15.

Conditions:
Inborn genetic diseases. Identifiers: MedGen C0950123, MeSH D030342.

Allele frequency attached by ClinVar (database versions not stated): gnomAD 0.00009 and 0.00010; TOPMed 0.00010; gnomAD exomes 0.00015 and 0.00016; ExAC 0.00037.
gnomAD v4.1: 249 of 1,587,408 alleles (0.016%); highest among the groups gnomAD compares: Non-Finnish European, 0.018%; no homozygotes.

Submissions (4):

Labcorp Genetics (formerly Invitae), Labcorp
Classification: Uncertain significance. Last evaluated: 2025-12-15. Review status: criteria provided, single submitter. Criteria: Invitae Variant Classification Sherloc (09022015). Collection method: clinical testing. Allele origin: germline.
Comment: This sequence change replaces alanine, which is neutral and non-polar, with threonine, which is neutral and polar, at codon 212 of the SLC34A3 protein (p.Ala212Thr). This variant is present in population databases (rs754447323, gnomAD 0.05%). This missense change has been observed in individual(s) with cystic kidney disease (PMID: 37414395). ClinVar contains an entry for this variant (Variation ID: 1364090). Invitae Evidence Modeling of protein sequence and biophysical properties (such as structural, functional, and spatial information, amino acid conservation, physicochemical variation, residue mobility, and thermodynamic stability) indicates that this missense variant is not expected to disrupt SLC34A3 protein function with a negative predictive value of 80%. In summary, the available evidence is currently insufficient to determine the role of this variant in disease. Therefore, it has been classified as a Variant of Uncertain Significance.

GeneDx
Classification: Uncertain significance. Last evaluated: 2025-05-14. Review status: criteria provided, single submitter. Criteria: GeneDx Variant Classification Process June 2021. Collection method: clinical testing. Allele origin: germline. Affected: yes.
Comment: In silico analysis suggests that this missense variant does not alter protein structure/function; Has not been previously published as pathogenic or benign in association with hypophosphatemic rickets to our knowledge; This variant is associated with the following publications: (PMID: 37414395)

Blueprint Genetics
Classification: Uncertain significance. Last evaluated: 2024-10-30. Review status: criteria provided, single submitter. Criteria: ACMG Guidelines, 2015. Collection method: clinical testing. Allele origin: germline.

Ambry Genetics
Classification: Uncertain significance for Inborn genetic diseases. Last evaluated: 2021-09-17. Review status: criteria provided, single submitter. Criteria: Ambry Variant Classification Scheme 2023. Collection method: clinical testing. Allele origin: germline.

Literature cited by the submitters: PubMed 37414395 (cited by Labcorp Genetics (formerly Invitae), Labcorp).

NM_001177316.2(SLC34A3):c.634G>A (p.Ala212Thr)

Gene: SLC34A3 (solute carrier family 34 member 3; plus strand). Cytogenetic location: 9q34.3.
Variant type: single nucleotide variant.
Coding change: c.634G>A on transcript NM_001177316.2 (MANE Select); coding-DNA position 634, G replaced by A.
Protein change: p.Ala212Thr; replaces alanine 212 with threonine.
Molecular consequence: missense variant.
Genome position (GRCh38, 1-based): chr9:137,233,282, G>A. VCF-style: chr9-137233282-G-A. GRCh37 (hg19) VCF-style: chr9-140127734-G-A.
Other names: c.634G>A, p.Ala212Thr (NM_001177317.2, NM_080877.3); c.634G>A (NM_080877.2); short protein forms A212T.
Identifiers: ClinVar variation 1364090 (VCV001364090.10), dbSNP rs754447323, ClinGen allele CA5364505.
Genomic context (GRCh38, chr9:137,233,282, plus strand): 5'-TCGGCGGTGCACGGGATCTTCAACTGGCTCACAGTGCTGGTCCTGCTGCCACTGGAGAGC[G>A]CCACGGCCCTGCTGGAGAGGCTAAGTGAGCTAGCCCTGGGTGCCGCCAGCCTGACACCCA-3'
Protein context (NP_001170787.2, residues 202-222): TVLVLLPLES[Ala212Thr]TALLERLSEL